The following is an entry in ClinVar:

NM_000169.3(GLA):c.584_585insAATAG (p.Arg196fs)

Genes: GLA (galactosidase alpha; minus strand), RPL36A-HNRNPH2 (RPL36A-HNRNPH2 readthrough; plus strand). Cytogenetic location: Xq22.1.
Variant type: Insertion.
Coding change: c.584_585insAATAG on transcript NM_000169.3 (MANE Select); coding-DNA positions 584 to 585, AATAG inserted.
Protein change: p.Arg196fs; shifts the reading frame from arginine 196.
Molecular consequence: frameshift variant. On other transcripts: non-coding transcript variant (2), intron variant (2).
Genome position: GRCh38 VCF-style: chrX-101400720-G-GCTATT. GRCh37 (hg19) VCF-style: chrX-100655708-G-GCTATT.
Other names: c.707_708insAATAG, p.Arg237fs (NM_001406747.1); c.584_585insAATAG, p.Arg196fs (NM_001406748.1); c.300+5264_300+5265insTATTC (NM_001199973.2); c.177+8899_177+8900insTATTC (NM_001199974.2); short protein forms R196fs, R237fs.
Identifiers: ClinVar variation 4086979 (VCV004086979.2).

ClinVar aggregate classification (germline): Pathogenic (1 of 4 stars; one submission).

Conditions:
Fabry disease. Also called: ALPHA-GALACTOSIDASE A DEFICIENCY; ANDERSON-FABRY DISEASE; CERAMIDE TRIHEXOSIDASE DEFICIENCY; GLA DEFICIENCY; HEREDITARY DYSTOPIC LIPIDOSIS; Angiokeratoma corporis diffusum. Identifiers: Orphanet 324, MedGen C0002986, MONDO:0010526, OMIM 301500, HP:0001071. Disease mechanism: Fabry disease is due to inactivating mutations in the X-linked GLA gene resulting in deficiency of the enzyme Alpha Galactosidase-A., loss of function.

Submission:

Genomenon, Inc
Classification: Pathogenic for Fabry disease. Last evaluated: 2026-09-08. Review status: criteria provided, single submitter. Criteria: Genomenon Sequence Variant Interpretation Standards - Updated. Collection method: curation. Allele origin: germline. Affected: yes.
Comment: GLA p.Arg196IlefsTer46 (c.584_585insAATAG) is a frameshift variant that is predicted to introduce a premature termination codon and result in a truncated or absent protein product. This variant has been observed in at least one proband with clinical features consistent with Fabry disease (PMID:33915609). Functional or patient cell studies have been reported (PMID:33915609). It is absent or not present at a significant frequency in gnomAD. In conclusion, we classify GLA p.Arg196IlefsTer46 (c.584_585insAATAG) as a pathogenic variant.

Literature cited by the submitters: PubMed 33915609.